The following is an entry in ClinVar:

NM_015631.6(TCTN3):c.566A>G (p.Glu189Gly)

Gene: TCTN3 (tectonic family member 3; minus strand). Cytogenetic location: 10q24.1.
Variant type: single nucleotide variant.
Coding change: c.566A>G on transcript NM_015631.6 (MANE Select); coding-DNA position 566, A replaced by G.
Protein change: p.Glu189Gly; replaces glutamic acid 189 with glycine.
Molecular consequence: missense variant. On other transcripts: intron variant (1).
Genome position (GRCh38, 1-based): chr10:95,687,653, T>C on the plus strand (A>G on the coding strand, the complement: TCTN3 is on the minus strand). VCF-style: chr10-95687653-T-C. GRCh37 (hg19) VCF-style: chr10-97447410-T-C.
Other names: c.620A>G, p.Glu207Gly (NM_001013840.1); c.566A>G, p.Glu189Gly (NM_001410982.1); c.500-494A>G (NM_001143973.2); short protein forms E189G, E207G.
Identifiers: ClinVar variation 1804146 (VCV001804146.3), dbSNP rs2492764313, ClinGen allele CA377708843.

ClinVar aggregate classification (germline): Uncertain significance (1 of 4 stars; one submission).

Conditions:
Joubert syndrome 18 (JBTS18). Identifiers: Orphanet 2754, MedGen C3553758, MONDO:0013896, OMIM 614815.

Submission:

Institute of Human Genetics, University of Leipzig Medical Center
Classification: Uncertain significance for Joubert syndrome 18. Last evaluated: 2022-12-02. Review status: criteria provided, single submitter. Criteria: ACMG Guidelines, 2015. Collection method: clinical testing. Allele origin: paternal. Inheritance: Autosomal recessive inheritance. Affected: yes.
Comment: Criteria applied: PM3,PM2_SUP,PP3; Identified as compund heterozygous with NM_015631.6:c.1A>G